The following is an entry in ClinVar:

ClinVar aggregate classification (germline): Pathogenic (3 of 4 stars; one submission).

Conditions:
Breast-ovarian cancer, familial, susceptibility to, 1 (BROVCA1). Also called: BRCA1 Hereditary Breast and Ovarian Cancer; OVARIAN CANCER, SUSCEPTIBILITY TO. Identifiers: Orphanet 145, MedGen C2676676, MONDO:0011450, OMIM 604370. Disease mechanism: loss of function.

Submission:

Evidence-based Network for the Interpretation of Germline Mutant Alleles (ENIGMA)
Classification: Pathogenic for Breast-ovarian cancer, familial, susceptibility to, 1. Last evaluated: 2016-09-08. Review status: reviewed by expert panel. Criteria: ENIGMA BRCA1/2 Classification Criteria (2015). Collection method: curation. Allele origin: germline.
Comment: Variant allele predicted to encode a truncated non-functional protein.

NM_007294.4(BRCA1):c.3226A>T (p.Arg1076Ter)

Genes: BRCA1 (BRCA1 DNA repair associated; minus strand), LOC126862571 (BRD4-independent group 4 enhancer GRCh37_chr17:41243136-41244335; plus strand). Cytogenetic location: 17q21.31.
Variant type: single nucleotide variant.
Coding change: c.3226A>T on transcript NM_007294.4 (MANE Select); coding-DNA position 3226, A replaced by T.
Protein change: p.Arg1076Ter; replaces arginine 1076 with a stop codon.
Molecular consequence: nonsense. On other transcripts: intron variant (137).
Genome position (GRCh38, 1-based): chr17:43,092,305, T>A on the plus strand (A>T on the coding strand, the complement: BRCA1 is on the minus strand). VCF-style: chr17-43092305-T-A. GRCh37 (hg19) VCF-style: chr17-41244322-T-A.
Other names: c.3013A>T, p.Arg1005Ter (NM_001407571.1, NM_001407853.1, NM_001407894.1 and 9 more transcripts); c.3226A>T, p.Arg1076Ter (NM_001407581.1, NM_001407582.1, NM_001407583.1 and 30 more transcripts); c.3223A>T, p.Arg1075Ter (NM_001407587.1, NM_001407590.1, NM_001407591.1 and 22 more transcripts); c.3217A>T, p.Arg1073Ter (NM_001407646.1, NM_001407647.1); c.3103A>T, p.Arg1035Ter (NM_001407648.1, NM_001407664.1, NM_001407665.1 and 19 more transcripts); c.3100A>T, p.Arg1034Ter (NM_001407649.1, NM_001407670.1, NM_001407671.1 and 11 more transcripts); c.3148A>T, p.Arg1050Ter (NM_001407653.1, NM_001407654.1, NM_001407655.1 and 4 more transcripts); c.3145A>T, p.Arg1049Ter (NM_001407659.1, NM_001407660.1, NM_001407661.1 and 1 more transcripts); and 41 more; short protein forms R1076*, R1029*, R1009*, R1028*, R1035*, R1050*, R780*, R965*.
Identifiers: ClinVar variation 254424 (VCV000254424.3), dbSNP rs886038009, ClinGen allele CA10586634.